The following is an entry in ClinVar:

ClinVar aggregate classification (germline): Benign/Likely benign. Review status: criteria provided, multiple submitters, no conflicts (2 of 4 stars). 2 submissions from 2 submitters: Benign (1); Likely benign (1). Last evaluated 2026-01-05.

Conditions:
LETM1-related disorder. Also called: LETM1-related condition.

Allele frequency attached by ClinVar (database versions not stated): gnomAD exomes 0.00025 and 0.00051; ExAC 0.00069; gnomAD 0.00188 and 0.00198; ESP Exome Variant Server 0.00200; TOPMed 0.00249; 1000 Genomes Project 0.00300; 1000 Genomes Project 30x 0.00312.
gnomAD v4.1: 679 of 1,613,884 alleles (0.042%); highest among the groups gnomAD compares: African/African-American, 0.73%; 4 homozygotes.

Submissions (2):

Labcorp Genetics (formerly Invitae), Labcorp
Classification: Benign. Last evaluated: 2026-01-05. Review status: criteria provided, single submitter. Criteria: Invitae Variant Classification Sherloc (09022015). Collection method: clinical testing. Allele origin: germline.

PreventionGenetics, part of Exact Sciences
Classification: Likely benign for LETM1-related condition. Last evaluated: 2025-12-29. Review status: criteria provided, single submitter. Criteria: ACMG Guidelines, 2015. Collection method: clinical testing. Allele origin: germline.
Comment: This variant is classified as likely benign based on ACMG/AMP sequence variant interpretation guidelines (Richards et al. 2015 PMID: 25741868, with internal and published modifications).

NM_012318.3(LETM1):c.2070+9C>T

Gene: LETM1 (leucine zipper and EF-hand containing transmembrane protein 1; minus strand). Cytogenetic location: 4p16.3.
Variant type: single nucleotide variant.
Coding change: c.2070+9C>T on transcript NM_012318.3 (MANE Select); 9 bases into the intron after coding-DNA position 2070, C replaced by T.
Molecular consequence: intron variant.
Genome position (GRCh38, 1-based): chr4:1,815,655, G>A on the plus strand (C>T on the coding strand, the complement: LETM1 is on the minus strand). VCF-style: chr4-1815655-G-A. GRCh37 (hg19) VCF-style: chr4-1817382-G-A.
Identifiers: ClinVar variation 730673 (VCV000730673.9), dbSNP rs111296871, ClinGen allele CA2811069.